The following is an entry in ClinVar:

NM_000022.4(ADA):c.394del (p.Ala131_Leu132insTer)

Gene: ADA (adenosine deaminase; minus strand). Cytogenetic location: 20q13.12.
Variant type: Deletion.
Coding change: c.394del on transcript NM_000022.4 (MANE Select); coding-DNA position 394, one base deleted (C; older notation c.394delC).
Protein change: p.Ala131_Leu132insTer.
Molecular consequence: nonsense. On other transcripts: non-coding transcript variant (1), intron variant (1).
Genome position (GRCh38, 1-based): chr20:44,625,653, G deleted on the plus strand (C on the coding strand, the reverse complement: ADA is on the minus strand); the first of 3 consecutive G bases (chr20:44,625,653-44,625,655); deleting any one gives the same sequence. VCF-style (leftmost placement, unchanged base first): chr20-44625652-AG-A. GRCh37 (hg19) VCF-style: chr20-43254293-AG-A.
Other names: c.394del, p.Ala131_Leu132insTer (NM_001322051.2); c.73+803del (NM_001322050.2).
Identifiers: ClinVar variation 2416243 (VCV002416243.6), dbSNP rs1333878449, ClinGen allele CA635980626.
Genomic context (GRCh38, chr20:44,625,652, plus strand): 5'-AGGATGGACCGGGCCTTGACCCCGAAGTCTCGCTCCCCCTCCTGCAGGCCCTGGCCCACT[AG>A]GGCCACCACCTCGTCTGGGGTGAGGTCCCCTCTGTGTGAGGAGAGGAGTAGGGATGGGCC-3'

ClinVar aggregate classification (germline): Pathogenic (1 of 4 stars; one submission).

Conditions:
Severe combined immunodeficiency, autosomal recessive, T cell-negative, B cell-negative, NK cell-negative, due to adenosine deaminase deficiency. Also called: ADA-SCID; ADA deficiency; Adenosine deaminase deficient severe combined immunodeficiency; Severe combined immunodeficiency due to ADA deficiency; Adenosine Deaminase Deficiency; SCID DUE TO ADA DEFICIENCY. Identifiers: Orphanet 277, MedGen C0392607, MONDO:0007064, OMIM 102700.

Submission:

Labcorp Genetics (formerly Invitae), Labcorp
Classification: Pathogenic for Severe combined immunodeficiency, autosomal recessive, T cell-negative, B cell-negative, NK cell-negative, due to adenosine deaminase deficiency. Last evaluated: 2022-01-03. Review status: criteria provided, single submitter. Criteria: Invitae Variant Classification Sherloc (09022015). Collection method: clinical testing. Allele origin: germline.
Comment: For these reasons, this variant has been classified as Pathogenic. This variant has not been reported in the literature in individuals affected with ADA-related conditions. This variant is not present in population databases (gnomAD no frequency). This sequence change creates a premature translational stop signal (p.Leu132*) in the ADA gene. It is expected to result in an absent or disrupted protein product. Loss-of-function variants in ADA are known to be pathogenic (PMID: 26255240, 26376800).

Literature cited by the submitters: PubMed 26255240; PubMed 26376800.